The following is an entry in ClinVar:

ClinVar aggregate classification (germline): Likely benign (1 of 4 stars; one submission).

Allele frequency attached by ClinVar (database versions not stated): TOPMed below 0.00001; ExAC 0.00001; gnomAD 0.00001; gnomAD exomes 0.00001; 1000 Genomes Project 0.00020; 1000 Genomes Project 30x 0.00031.
gnomAD v4.1: 11 of 1,613,058 alleles (0.00068%); highest among the groups gnomAD compares: Admixed American, 0.0017%; no homozygotes.

Submission:

CeGaT Center for Human Genetics Tuebingen
Classification: Likely benign. Last evaluated: 2024-01-01. Review status: criteria provided, single submitter. Criteria: CeGaT Center For Human Genetics Tuebingen Variant Classification Criteria Version 2. Collection method: clinical testing. Allele origin: germline. Affected: yes. Observed: 1 variant allele.
Comment: HECTD4: BP4, BP7

NM_001388303.1(HECTD4):c.12210C>T (p.Ser4070=)

Gene: HECTD4 (HECT domain E3 ubiquitin protein ligase 4; minus strand). Cytogenetic location: 12q24.13.
Variant type: single nucleotide variant.
Coding change: c.12210C>T on transcript NM_001388303.1 (MANE Select); coding-DNA position 12210, C replaced by T.
Protein change: p.Ser4070=; no amino-acid change (serine 4070 retained).
Molecular consequence: synonymous variant.
Genome position (GRCh38, 1-based): chr12:112,167,916, G>A on the plus strand (C>T on the coding strand, the complement: HECTD4 is on the minus strand). VCF-style: chr12-112167916-G-A. GRCh37 (hg19) VCF-style: chr12-112605720-G-A.
Other names: c.12240C>T, p.Ser4080= (NM_001109662.4).
Identifiers: ClinVar variation 3026058 (VCV003026058.22), dbSNP rs557968850, ClinGen allele CA6795699.